The following is an entry in ClinVar:

ClinVar aggregate classification (germline): Pathogenic. Review status: reviewed by expert panel (3 of 4 stars). 6 submissions from 6 submitters: Pathogenic (1). 5 of the submissions do not count toward it. Last evaluated 2025-01-09.

Conditions:
Autosomal recessive limb-girdle muscular dystrophy type 2L (LGMDR12). Also called: Limb-girdle muscular dystrophy, type 2L; Limb-Girdle Muscular Dystrophy R12 Anoctamin-5-Related (LGMD-R12); MUSCULAR DYSTROPHY, LIMB-GIRDLE, AUTOSOMAL RECESSIVE 12. Identifiers: Orphanet 206549, MedGen C1969785, MONDO:0012652, OMIM 611307.
Gnathodiaphyseal dysplasia (GDD). Also called: GNATHODIAPHYSEAL SCLEROSIS; OSTEOGENESIS IMPERFECTA WITH UNUSUAL SKELETAL LESIONS. Identifiers: Orphanet 53697, MedGen C1833736, MONDO:0008151, OMIM 166260.
Autosomal recessive limb-girdle muscular dystrophy. Identifiers: Orphanet 102015, MedGen C2931907, MONDO:0015152.
Miyoshi muscular dystrophy 3 (MMD3). Also called: Miyoshi myopathy 3; Miyoshi Muscular Dystrophy 3 (MMD3). Identifiers: Orphanet 399096, MedGen C2750076, MONDO:0013222, OMIM 613319.
Abnormality of the musculature. Identifiers: MedGen C4021745, HP:0003011.

Submissions (6):

ClinGen Limb Girdle Muscular Dystrophy Variant Curation Expert Panel, ClinGen
Classification: Pathogenic for Autosomal recessive limb-girdle muscular dystrophy. Last evaluated: 2025-01-09. Review status: reviewed by expert panel. Criteria: ClinGen LGMD VCEP ACMG Specifications ANO5 V1.0.0. Collection method: curation. Allele origin: germline. Inheritance: Autosomal recessive inheritance.
Comment: The NM_213599.3: c.304_308del p.(Lys102ValfsTer2) variant in ANO5 is a frameshift variant predicted to cause a premature stop codon in biologically relevant exon 6/22, leading to nonsense mediated decay in a gene in which loss of function is an established disease mechanism (PVS1). This variant has been detected in at least one individual with progressive limb girdle muscle weakness, where it was confirmed in trans with a second frameshift variant (PMID: 27862037; PP4). The filtering allele frequency of this variant is 0.000034729 (the upper threshold of the 95% CI of 28/1105382 exome chromosomes) in the European (non-Finnish) population in gnomAD v4.1.0, which is lower than the VCEP threshold (0.0001) for PM2_Supporting, meeting this criterion (PM2_Supporting). In summary, this variant meets the criteria to be classified as Pathogenic for autosomal recessive limb girdle muscular dystrophy based on the ACMG/AMP criteria applied, as specified by the ClinGen LGMD VCEP (LGMD VCEP specifications version 1.0.0; 01/09/2025): PVS1, PP4, PM2_Supporting.

CeGaT Center for Human Genetics Tuebingen
Classification: Pathogenic. Last evaluated: 2026-04-01. Review status: criteria provided, single submitter. Criteria: CeGaT Center For Human Genetics Tuebingen Variant Classification Criteria Version 2. Collection method: clinical testing. Allele origin: germline. Affected: yes. Observed: 2 variant alleles. Not counted in ClinVar's aggregate classification.
Comment: ANO5: PVS1, PM3:Strong, PM2

Labcorp Genetics (formerly Invitae), Labcorp
Classification: Pathogenic for Autosomal recessive limb-girdle muscular dystrophy type 2L; Gnathodiaphyseal dysplasia. Last evaluated: 2025-10-15. Review status: criteria provided, single submitter. Criteria: Invitae Variant Classification Sherloc (09022015). Collection method: clinical testing. Allele origin: germline. Not counted in ClinVar's aggregate classification.
Comment: This sequence change creates a premature translational stop signal (p.Lys102Valfs*2) in the ANO5 gene. It is expected to result in an absent or disrupted protein product. Loss-of-function variants in ANO5 are known to be pathogenic (PMID: 21186264, 23606453, 25891276, 30919934). This variant is present in population databases (rs776859202, gnomAD 0.002%). This premature translational stop signal has been observed in individual(s) with autosomal recessive limb-girdle muscular dystrophy (PMID: 25891276, 27862037). In at least one individual the data is consistent with being in trans (on the opposite chromosome) from a pathogenic variant. ClinVar contains an entry for this variant (Variation ID: 280322). For these reasons, this variant has been classified as Pathogenic.

GeneDx
Classification: Pathogenic. Last evaluated: 2023-10-30. Review status: criteria provided, single submitter. Criteria: GeneDx Variant Classification Process June 2021. Collection method: clinical testing. Allele origin: germline. Affected: yes. Not counted in ClinVar's aggregate classification.
Comment: Frameshift variant predicted to result in protein truncation or nonsense mediated decay in a gene for which loss of function is a known mechanism of disease; Not observed at significant frequency in large population cohorts (gnomAD); This variant is associated with the following publications: (PMID: 30919934, 34264321, 25891276, 27862037)

Kariminejad - Najmabadi Pathology & Genetics Center
Classification: Pathogenic for Abnormality of the musculature. Last evaluated: 2021-07-10. Review status: criteria provided, single submitter. Criteria: ACMG Guidelines, 2015. Collection method: clinical testing. Allele origin: germline. Affected: yes. Not counted in ClinVar's aggregate classification.

Eurofins Ntd Llc (ga)
Classification: Pathogenic. Last evaluated: 2016-09-19. Review status: criteria provided, single submitter. Criteria: EGL Classification Definitions 2015. Collection method: clinical testing. Allele origin: germline. Observed: 3 variant alleles, 3 heterozygotes. Not counted in ClinVar's aggregate classification.

Literature cited by the submitters: PubMed 21186264 (cited by Labcorp Genetics (formerly Invitae), Labcorp); PubMed 23606453 (cited by Labcorp Genetics (formerly Invitae), Labcorp); PubMed 25891276 (cited by Labcorp Genetics (formerly Invitae), Labcorp and Eurofins Ntd Llc (ga)); PubMed 30919934 (cited by Labcorp Genetics (formerly Invitae), Labcorp); PubMed 27862037 (cited by Labcorp Genetics (formerly Invitae), Labcorp).

NM_213599.3(ANO5):c.304_308del (p.Lys102fs)

Gene: ANO5 (anoctamin 5; plus strand). Cytogenetic location: 11p14.3.
Variant type: Deletion.
Coding change: c.304_308del on transcript NM_213599.3 (MANE Select); coding-DNA positions 304 to 308, 5 bases deleted (AAAGA; older notation c.304_308delAAAGA).
Protein change: p.Lys102fs; shifts the reading frame from lysine 102.
Molecular consequence: frameshift variant.
Genome position (GRCh38, 1-based): chr11:22,225,993-22,225,997, AAAGA deleted; deleting any 5 consecutive bases within chr11:22,225,989-22,225,997 gives the same sequence; the c. name uses the placement nearest the transcript's 3' end. VCF-style (leftmost placement, unchanged base first): chr11-22225988-GAAGAA-G. GRCh37 (hg19) VCF-style: chr11-22247534-GAAGAA-G.
Other names: NM_213599.3(ANO5):c.304_308del; p.Lys102fs; c.304_308delAAAGA (NM_213599.3, NM_213599.2); c.301_305del, p.Lys101fs (NM_001142649.2); short protein forms K102fs, K101fs.
Identifiers: ClinVar variation 280322 (VCV000280322.44), dbSNP rs776859202, ClinGen allele CA5922882.